The following is an entry in ClinVar:

ClinVar aggregate classification (germline): Likely benign (0 of 4 stars; one submission).

Conditions:
KIAA0232-related disorder. Also called: KIAA0232-related condition.

Allele frequency attached by ClinVar (database versions not stated): gnomAD exomes 0.00025; ExAC 0.00035; ESP Exome Variant Server 0.00082; gnomAD 0.00094; TOPMed 0.00095; 1000 Genomes Project 0.00120; 1000 Genomes Project 30x 0.00141.
gnomAD v4.1: 527 of 1,614,244 alleles (0.033%); highest among the groups gnomAD compares: African/African-American, 0.33%; no homozygotes.

Submission:

PreventionGenetics, part of Exact Sciences
Classification: Likely benign for KIAA0232-related condition. Last evaluated: 2023-06-07. Review status: no assertion criteria provided. Collection method: clinical testing. Allele origin: germline.
Comment: This variant is classified as likely benign based on ACMG/AMP sequence variant interpretation guidelines (Richards et al. 2015 PMID: 25741868, with internal and published modifications).

NM_014743.3(KIAA0232):c.1633A>G (p.Thr545Ala)

Gene: KIAA0232 (KIAA0232; plus strand). Cytogenetic location: 4p16.1.
Variant type: single nucleotide variant.
Coding change: c.1633A>G on transcript NM_014743.3 (MANE Select); coding-DNA position 1633, A replaced by G.
Protein change: p.Thr545Ala; replaces threonine 545 with alanine.
Molecular consequence: missense variant.
Genome position (GRCh38, 1-based): chr4:6,862,015, A>G. VCF-style: chr4-6862015-A-G. GRCh37 (hg19) VCF-style: chr4-6863742-A-G.
Other names: c.1633A>G, p.Thr545Ala (NM_001100590.2); short protein forms T545A.
Identifiers: ClinVar variation 3033519 (VCV003033519.2), dbSNP rs73796359, ClinGen allele CA2842422.